The following is an entry in ClinVar:

ClinVar aggregate classification (germline): Uncertain significance (1 of 4 stars; one submission).

Conditions:
Intellectual developmental disorder with autistic features and language delay, with or without seizures. Identifiers: MedGen C5394447, MONDO:0030051, OMIM 618906.

Submission:

MGZ Medical Genetics Center
Classification: Uncertain significance for Intellectual developmental disorder with autistic features and language delay, with or without seizures. Last evaluated: 2022-04-08. Review status: criteria provided, single submitter. Criteria: ACMG Guidelines, 2015. Collection method: clinical testing. Allele origin: germline. Affected: yes. Observed: 1 variant allele.
Comment: ACMG criteria applied: PM2_SUP

NM_001394998.1(TANC2):c.1553C>T (p.Ala518Val)

Gene: TANC2 (tetratricopeptide repeat, ankyrin repeat and coiled-coil containing 2; plus strand). Cytogenetic location: 17q23.3.
Variant type: single nucleotide variant.
Coding change: c.1553C>T on transcript NM_001394998.1 (MANE Select); coding-DNA position 1553, C replaced by T.
Protein change: p.Ala518Val; replaces alanine 518 with valine.
Molecular consequence: missense variant.
Genome position (GRCh38, 1-based): chr17:63,319,068, C>T. VCF-style: chr17-63319068-C-T. GRCh37 (hg19) VCF-style: chr17-61396429-C-T.
Other names: c.1331C>T, p.Ala444Val (NM_001411076.1, NM_025185.4); short protein forms A444V, A518V.
Identifiers: ClinVar variation 1708997 (VCV001708997.2), dbSNP rs2509909620, ClinGen allele CA400795168.
Genomic context (GRCh38, chr17:63,319,068, plus strand): 5'-CATCTATCACCAGTGGAAGCTGCCCAGGAACTCCGGAAATGCGCAGGCGGCAGGAGGAGG[C>T]TATGCGAAGACTAGCCTCGCAGGTACAATATGATTCCCACGTTGGGGATATGGTAGTTCC-3'
Protein context (NP_001381927.1, residues 508-528): TPEMRRRQEE[Ala518Val]MRRLASQVVA